The following is an entry in ClinVar:

ClinVar aggregate classification (germline): Benign (0 of 4 stars; one submission).

Conditions:
RAB11FIP5-related disorder. Also called: RAB11FIP5-related condition.

Allele frequency attached by ClinVar (database versions not stated): gnomAD 0.00031; gnomAD exomes 0.00034; ExAC 0.00044; ESP Exome Variant Server 0.00054.
gnomAD v4.1: 574 of 1,610,802 alleles (0.036%); highest among the groups gnomAD compares: Non-Finnish European, 0.02%; 1 homozygote.

Submission:

PreventionGenetics, part of Exact Sciences
Classification: Benign for RAB11FIP5-related condition. Last evaluated: 2020-07-17. Review status: no assertion criteria provided. Collection method: clinical testing. Allele origin: germline.
Comment: This variant is classified as benign based on ACMG/AMP sequence variant interpretation guidelines (Richards et al. 2015 PMID: 25741868, with internal and published modifications).

NM_001371272.1(RAB11FIP5):c.908A>T (p.Lys303Met)

Gene: RAB11FIP5 (RAB11 family interacting protein 5; minus strand). Cytogenetic location: 2p13.2.
Variant type: single nucleotide variant.
Coding change: c.908A>T on transcript NM_001371272.1 (MANE Select); coding-DNA position 908, A replaced by T.
Protein change: p.Lys303Met; replaces lysine 303 with methionine.
Molecular consequence: missense variant.
Genome position (GRCh38, 1-based): chr2:73,088,710, T>A on the plus strand (A>T on the coding strand, the complement: RAB11FIP5 is on the minus strand). VCF-style: chr2-73088710-T-A. GRCh37 (hg19) VCF-style: chr2-73315838-T-A.
Other names: c.908A>T, p.Lys303Met (NM_015470.3); short protein forms K303M.
Identifiers: ClinVar variation 3058561 (VCV003058561.2), dbSNP rs146973549, ClinGen allele CA1710123.